The following is an entry in ClinVar:

ClinVar aggregate classification (germline): Uncertain significance (1 of 4 stars; one submission).

Submission:

GeneDx
Classification: Uncertain significance. Last evaluated: 2023-07-23. Review status: criteria provided, single submitter. Criteria: GeneDx Variant Classification Process June 2021. Collection method: clinical testing. Allele origin: germline. Affected: yes.
Comment: Not observed at significant frequency in large population cohorts (gnomAD); In-frame duplication of 4 amino acids in a non-repeat region; Has not been previously published as pathogenic or benign to our knowledge

NM_003036.4(SKI):c.1963_1974dup (p.Arg658_Leu659insGluAlaGlyArg)

Gene: SKI (SKI proto-oncogene; plus strand). Cytogenetic location: 1p36.32.
Variant type: Duplication.
Coding change: c.1963_1974dup on transcript NM_003036.4 (MANE Select); coding-DNA positions 1963 to 1974, 12 bases duplicated (GAGGCGGGCCGC).
Protein change: p.Arg658_Leu659insGluAlaGlyArg.
Genome position (GRCh38, 1-based): chr1:2,306,215-2,306,226, GAGGCGGGCCGC duplicated; duplicating any 12 consecutive bases within chr1:2,306,213-2,306,226 gives the same sequence; the c. name uses the placement nearest the transcript's 3' end. VCF-style (leftmost placement, unchanged base first): chr1-2306212-T-TGCGAGGCGGGCC. GRCh37 (hg19) VCF-style: chr1-2237651-T-TGCGAGGCGGGCC.
Identifiers: ClinVar variation 3361235 (VCV003361235.1).